The following is an entry in ClinVar:

NM_014845.6(FIG4):c.2035C>T (p.Arg679Trp)

Gene: FIG4 (FIG4 phosphoinositide 5-phosphatase; plus strand). Cytogenetic location: 6q21.
Variant type: single nucleotide variant.
Coding change: c.2035C>T on transcript NM_014845.6 (MANE Select); coding-DNA position 2035, C replaced by T.
Protein change: p.Arg679Trp; replaces arginine 679 with tryptophan.
Molecular consequence: missense variant.
Genome position (GRCh38, 1-based): chr6:109,786,388, C>T. VCF-style: chr6-109786388-C-T. GRCh37 (hg19) VCF-style: chr6-110107591-C-T.
Other names: short protein forms R679W.
Identifiers: ClinVar variation 245603 (VCV000245603.10), dbSNP rs188910818, ClinGen allele CA3956264.

ClinVar aggregate classification (germline): Uncertain significance. Review status: criteria provided, multiple submitters, no conflicts (2 of 4 stars). 3 submissions from 3 submitters: Uncertain significance (3). Last evaluated 2025-01-06.

Conditions:
Charcot-Marie-Tooth disease type 4. Also called: Charcot-Marie-Tooth disease, type IV; Charcot-Marie-Tooth, Type 4. Identifiers: Orphanet 64749, MedGen C4082197, MONDO:0018995.

Allele frequency attached by ClinVar (database versions not stated): gnomAD 0.00003 and 0.00004; gnomAD exomes 0.00004 and 0.00021; TOPMed 0.00007; 1000 Genomes Project 30x 0.00016; 1000 Genomes Project 0.00020; ExAC 0.00021.
gnomAD v4.1: 72 of 1,613,888 alleles (0.0045%); highest among the groups gnomAD compares: Admixed American, 0.08%; no homozygotes.

Submissions (3):

Labcorp Genetics (formerly Invitae), Labcorp
Classification: Uncertain significance for Charcot-Marie-Tooth disease type 4. Last evaluated: 2025-01-06. Review status: criteria provided, single submitter. Criteria: Invitae Variant Classification Sherloc (09022015). Collection method: clinical testing. Allele origin: germline.
Comment: This sequence change replaces arginine, which is basic and polar, with tryptophan, which is neutral and slightly polar, at codon 679 of the FIG4 protein (p.Arg679Trp). This variant is present in population databases (rs188910818, gnomAD 0.1%). This variant has not been reported in the literature in individuals affected with FIG4-related conditions. ClinVar contains an entry for this variant (Variation ID: 245603). An algorithm developed to predict the effect of missense changes on protein structure and function outputs the following: PolyPhen-2: "Probably Damaging". The tryptophan amino acid residue is found in multiple mammalian species, which suggests that this missense change does not adversely affect protein function. In summary, the available evidence is currently insufficient to determine the role of this variant in disease. Therefore, it has been classified as a Variant of Uncertain Significance.

GeneDx
Classification: Uncertain significance. Last evaluated: 2024-09-26. Review status: criteria provided, single submitter. Criteria: GeneDx Variant Classification Process June 2021. Collection method: clinical testing. Allele origin: germline. Affected: yes.
Comment: Reported in an unaffected individual in the literature and not seen in affected individuals (PMID: 25299611); In silico analysis supports that this missense variant has a deleterious effect on protein structure/function; This variant is associated with the following publications: (PMID: 25299611)

Breakthrough Genomics
Classification: Uncertain significance. Review status: criteria provided, single submitter. Criteria: ACMG Guidelines, 2015. Collection method: not provided. Allele origin: germline. Inheritance: Autosomal recessive inheritance. Affected: yes.